The following is an entry in ClinVar:

NM_015512.5(DNAH1):c.2497G>A (p.Ala833Thr)

Gene: DNAH1 (dynein axonemal heavy chain 1; plus strand). Cytogenetic location: 3p21.1.
Variant type: single nucleotide variant.
Coding change: c.2497G>A on transcript NM_015512.5 (MANE Select); coding-DNA position 2497, G replaced by A.
Protein change: p.Ala833Thr; replaces alanine 833 with threonine.
Molecular consequence: missense variant.
Genome position (GRCh38, 1-based): chr3:52,349,391, G>A. VCF-style: chr3-52349391-G-A. GRCh37 (hg19) VCF-style: chr3-52383407-G-A.
Other names: short protein forms A833T.
Identifiers: ClinVar variation 2082400 (VCV002082400.5), dbSNP rs750619807, ClinGen allele CA2433264.

ClinVar aggregate classification (germline): Uncertain significance. Review status: criteria provided, multiple submitters, no conflicts (2 of 4 stars). 2 submissions from 2 submitters: Uncertain significance (2). Last evaluated 2024-10-23.

Conditions:
Spermatogenic failure 18. Identifiers: MedGen C4539783, MONDO:0054615, OMIM 617576.
Ciliary dyskinesia, primary, 37 (CILD37). Also called: CILIARY DYSKINESIA, PRIMARY, 37, WITH OR WITHOUT SITUS INVERSUS. Identifiers: MedGen C4539798, MONDO:0033204, OMIM 617577.

Allele frequency attached by ClinVar (database versions not stated): gnomAD 0.00001; ExAC 0.00002; TOPMed 0.00003.
gnomAD v4.1: 33 of 1,613,812 alleles (0.002%); highest among the groups gnomAD compares: Non-Finnish European, 0.0026%; no homozygotes.

Submissions (2):

Blueprint Genetics
Classification: Uncertain significance. Last evaluated: 2024-10-23. Review status: criteria provided, single submitter. Criteria: ACMG Guidelines, 2015. Collection method: clinical testing. Allele origin: germline.

Labcorp Genetics (formerly Invitae), Labcorp
Classification: Uncertain significance for Ciliary dyskinesia, primary, 37; Spermatogenic failure 18. Last evaluated: 2023-11-27. Review status: criteria provided, single submitter. Criteria: Invitae Variant Classification Sherloc (09022015). Collection method: clinical testing. Allele origin: germline.
Comment: This sequence change replaces alanine, which is neutral and non-polar, with threonine, which is neutral and polar, at codon 833 of the DNAH1 protein (p.Ala833Thr). This variant is present in population databases (rs750619807, gnomAD 0.006%). This variant has not been reported in the literature in individuals affected with DNAH1-related conditions. ClinVar contains an entry for this variant (Variation ID: 2082400). Advanced modeling of protein sequence and biophysical properties (such as structural, functional, and spatial information, amino acid conservation, physicochemical variation, residue mobility, and thermodynamic stability) performed at Invitae indicates that this missense variant is not expected to disrupt DNAH1 protein function with a negative predictive value of 80%. In summary, the available evidence is currently insufficient to determine the role of this variant in disease. Therefore, it has been classified as a Variant of Uncertain Significance.